The following is an entry in ClinVar:

NM_001349253.2(SCN11A):c.935T>C (p.Met312Thr)

Gene: SCN11A (sodium voltage-gated channel alpha subunit 11; minus strand). Cytogenetic location: 3p22.2.
Variant type: single nucleotide variant.
Coding change: c.935T>C on transcript NM_001349253.2 (MANE Select); coding-DNA position 935, T replaced by C.
Protein change: p.Met312Thr; replaces methionine 312 with threonine.
Molecular consequence: missense variant.
Genome position (GRCh38, 1-based): chr3:38,919,959, A>G on the plus strand (T>C on the coding strand, the complement: SCN11A is on the minus strand). VCF-style: chr3-38919959-A-G. GRCh37 (hg19) VCF-style: chr3-38961450-A-G.
Other names: c.935T>C, p.Met312Thr (NM_014139.3); c.935T>C (NM_014139.2); short protein forms M312T.
Identifiers: ClinVar variation 1058091 (VCV001058091.7), dbSNP rs2066018798, ClinGen allele CA352170643.
Genomic context (GRCh38, chr3:38,919,959, plus strand): 5'-CTCTTCTTGGGAGGAAAATGATTATAAACCTCTTACCTGTTACCCATCCAGATGCCACAC[A>G]TTTTGAATTCAGGTGAATTTTCTTTCTTTTCAAAGCAATGGTCTGAGAGAGGAAAAAGTC-3'
Protein context (NP_001336182.1, residues 302-322): EKKENSPEFK[Met312Thr]CGIWMGNSAC

ClinVar aggregate classification (germline): Uncertain significance. Review status: criteria provided, multiple submitters, no conflicts (2 of 4 stars). 2 submissions from 2 submitters: Uncertain significance (2). Last evaluated 2022-03-11.

Conditions:
Inborn genetic diseases. Identifiers: MedGen C0950123, MeSH D030342.
Hereditary sensory and autonomic neuropathy type 7. Also called: Neuropathy, hereditary sensory and autonomic, type VII; HSAN VII. Identifiers: Orphanet 391397, MedGen C3809882, MONDO:0014244, OMIM 615548.
Familial episodic pain syndrome with predominantly lower limb involvement. Also called: Episodic pain syndrome, familial, 3. Identifiers: Orphanet 391384, Orphanet 391392, MedGen C3809899, MONDO:0014247, OMIM 615552.

Allele frequency attached by ClinVar (database versions not stated): TOPMed below 0.00001.

Submissions (2):

Ambry Genetics
Classification: Uncertain significance for Inborn genetic diseases. Last evaluated: 2022-03-11. Review status: criteria provided, single submitter. Criteria: Ambry Variant Classification Scheme 2023. Collection method: clinical testing. Allele origin: germline.
Comment: The c.935T>C (p.M312T) alteration is located in exon 7 (coding exon 7) of the SCN11A gene. This alteration results from a T to C substitution at nucleotide position 935, causing the methionine (M) at amino acid position 312 to be replaced by a threonine (T). This variant was not reported in population-based cohorts in the Genome Aggregation Database (gnomAD). This amino acid position is not well conserved in available vertebrate species. This alteration is predicted to be tolerated by in silico analysis. Based on insufficient or conflicting evidence, the clinical significance of this alteration remains unclear.

Labcorp Genetics (formerly Invitae), Labcorp
Classification: Uncertain significance for Familial episodic pain syndrome with predominantly lower limb involvement; Hereditary sensory and autonomic neuropathy type 7. Last evaluated: 2020-09-09. Review status: criteria provided, single submitter. Criteria: Invitae Variant Classification Sherloc (09022015). Collection method: clinical testing. Allele origin: germline.
Comment: In summary, the available evidence is currently insufficient to determine the role of this variant in disease. Therefore, it has been classified as a Variant of Uncertain Significance. Algorithms developed to predict the effect of missense changes on protein structure and function are either unavailable or do not agree on the potential impact of this missense change (SIFT: "Deleterious"; PolyPhen-2: "Benign"; Align-GVGD: "Class C45"). This variant has not been reported in the literature in individuals with SCN11A-related conditions. This variant is not present in population databases (ExAC no frequency). This sequence change replaces methionine with threonine at codon 312 of the SCN11A protein (p.Met312Thr). The methionine residue is moderately conserved and there is a moderate physicochemical difference between methionine and threonine.